The following is an entry in ClinVar:

NM_031885.3(BBS2):c.-191G>T

Gene: BBS2 (Bardet-Biedl syndrome 2; minus strand). Cytogenetic location: 16q13.
Variant type: single nucleotide variant.
Coding change: c.-191G>T on transcript NM_031885.3; 191 bases upstream of the start codon, G replaced by T.
Genome position (GRCh38, 1-based): chr16:56,520,053, C>A on the plus strand (G>T on the coding strand, the complement: BBS2 is on the minus strand). VCF-style: chr16-56520053-C-A. GRCh37 (hg19) VCF-style: chr16-56553965-C-A.
Identifiers: ClinVar variation 319883 (VCV000319883.10), dbSNP rs16964239, ClinGen allele CA10648641.

ClinVar aggregate classification (germline): Benign. Review status: criteria provided, multiple submitters, no conflicts (2 of 4 stars). 3 submissions from 3 submitters: Benign (3). Last evaluated 2021-05-11.

Conditions:
Bardet-Biedl syndrome 2 (BBS2). Identifiers: Orphanet 110, MedGen C2936863, MONDO:0014432, OMIM 615981.

Allele frequency attached by ClinVar (database versions not stated): 1000 Genomes Project 0.03834; TOPMed 0.03923; 1000 Genomes Project 30x 0.04107.

Submissions (3):

GeneDx
Classification: Benign. Last evaluated: 2021-05-11. Review status: criteria provided, single submitter. Criteria: GeneDx Variant Classification Process June 2021. Collection method: clinical testing. Allele origin: germline. Affected: yes.

Illumina Laboratory Services, Illumina
Classification: Benign for Bardet-Biedl syndrome 2. Last evaluated: 2018-01-13. Review status: criteria provided, single submitter. Criteria: ICSL Variant Classification Criteria 13 December 2019. Collection method: clinical testing. Allele origin: germline.
Comment: This variant was observed in the ICSL laboratory as part of a predisposition screen in an ostensibly healthy population. It had not been previously curated by ICSL or reported in the Human Gene Mutation Database (HGMD: prior to June 1st, 2018), and was therefore a candidate for classification through an automated scoring system. Utilizing variant allele frequency, disease prevalence and penetrance estimates, and inheritance mode, an automated score was calculated to assess if this variant is too frequent to cause the disease. Based on the score and internal cut-off values, a variant classified as benign is not then subjected to further curation. The score for this variant resulted in a classification of benign for this disease.

Breakthrough Genomics
Classification: Benign. Review status: criteria provided, single submitter. Criteria: ACMG Guidelines, 2015. Collection method: not provided. Allele origin: germline. Inheritance: Autosomal recessive inheritance. Affected: yes.